The following is an entry in ClinVar:

NM_001355436.2(SPTB):c.2805-1G>A

Gene: SPTB (spectrin beta, erythrocytic; minus strand). Cytogenetic location: 14q23.3.
Variant type: single nucleotide variant.
Coding change: c.2805-1G>A on transcript NM_001355436.2 (MANE Select); the canonical splice acceptor site of the intron before coding-DNA position 2805, G replaced by A.
Molecular consequence: splice acceptor variant.
Genome position (GRCh38, 1-based): chr14:64,787,161, C>T on the plus strand (G>A on the coding strand, the complement: SPTB is on the minus strand). VCF-style: chr14-64787161-C-T. GRCh37 (hg19) VCF-style: chr14-65253879-C-T.
Other names: c.2805-1G>A (NM_001024858.4, NM_001355437.2).
Identifiers: ClinVar variation 2031475 (VCV002031475.4), dbSNP rs2503133456, ClinGen allele CA390047861.

ClinVar aggregate classification (germline): Likely pathogenic (1 of 4 stars; one submission).

Submission:

Labcorp Genetics (formerly Invitae), Labcorp
Classification: Likely pathogenic. Last evaluated: 2026-01-21. Review status: criteria provided, single submitter. Criteria: Invitae Variant Classification Sherloc (09022015). Collection method: clinical testing. Allele origin: germline.
Comment: This sequence change affects an acceptor splice site in intron 14 of the SPTB gene. It is expected to disrupt RNA splicing. Variants that disrupt the donor or acceptor splice site typically lead to a loss of protein function (PMID: 16199547), and loss-of-function variants in SPTB are known to be pathogenic (PMID: 1391962, 1498324, 8844207, 26830532, 27292444). This variant is not present in population databases (gnomAD no frequency). This variant has not been reported in the literature in individuals affected with SPTB-related conditions. ClinVar contains an entry for this variant (Variation ID: 2031475). Algorithms developed to predict the effect of sequence changes on RNA splicing suggest that this variant may disrupt the consensus splice site. In summary, the currently available evidence indicates that the variant is pathogenic, but additional data are needed to prove that conclusively. Therefore, this variant has been classified as Likely Pathogenic.

Literature cited by the submitters: PubMed 16199547; PubMed 1391962; PubMed 1498324; PubMed 8844207; PubMed 26830532; PubMed 27292444.